The following is an entry in ClinVar:

NM_003579.4(RAD54L):c.1434G>C (p.Leu478Phe)

Gene: RAD54L (RAD54 like; plus strand). Cytogenetic location: 1p34.1.
Variant type: single nucleotide variant.
Coding change: c.1434G>C on transcript NM_003579.4 (MANE Select); coding-DNA position 1434, G replaced by C.
Protein change: p.Leu478Phe; replaces leucine 478 with phenylalanine.
Molecular consequence: missense variant.
Genome position (GRCh38, 1-based): chr1:46,273,413, G>C. VCF-style: chr1-46273413-G-C. GRCh37 (hg19) VCF-style: chr1-46739085-G-C.
Other names: c.1434G>C, p.Leu478Phe (NM_001142548.2); c.894G>C, p.Leu298Phe (NM_001370766.1); short protein forms L478F, L298F.
Identifiers: ClinVar variation 3312450 (VCV003312450.1).

ClinVar aggregate classification (germline): Uncertain significance (1 of 4 stars; one submission).

Submission:

Ambry Genetics
Classification: Uncertain significance. Last evaluated: 2024-03-29. Review status: criteria provided, single submitter. Criteria: Ambry Variant Classification Scheme 2023. Collection method: clinical testing. Allele origin: germline.
Comment: The p.L478F variant (also known as c.1434G>C), located in coding exon 13 of the RAD54L gene, results from a G to C substitution at nucleotide position 1434. The leucine at codon 478 is replaced by phenylalanine, an amino acid with highly similar properties. This amino acid position is conserved. In addition, the in silico prediction for this alteration is inconclusive. Based on the available evidence, the clinical significance of this alteration remains unclear.